The following is an entry in ClinVar:

ClinVar aggregate classification (germline): Uncertain significance (1 of 4 stars; one submission).

Conditions:
Aortic valve disease 2 (AOVD2). Identifiers: MedGen C3542024, MONDO:0013902, OMIM 614823.

gnomAD v4.1: 1 of 1,274,976 alleles (0.000078%); highest among the groups gnomAD compares: Non-Finnish European, 0.000099%; no homozygotes.

Submission:

Labcorp Genetics (formerly Invitae), Labcorp
Classification: Uncertain significance for Aortic valve disease 2. Last evaluated: 2024-06-10. Review status: criteria provided, single submitter. Criteria: Invitae Variant Classification Sherloc (09022015). Collection method: clinical testing. Allele origin: germline.
Comment: This sequence change replaces alanine, which is neutral and non-polar, with serine, which is neutral and polar, at codon 64 of the SMAD6 protein (p.Ala64Ser). This variant is not present in population databases (gnomAD no frequency). This variant has not been reported in the literature in individuals affected with SMAD6-related conditions. An algorithm developed to predict the effect of missense changes on protein structure and function (PolyPhen-2) suggests that this variant is likely to be tolerated. In summary, the available evidence is currently insufficient to determine the role of this variant in disease. Therefore, it has been classified as a Variant of Uncertain Significance.

NM_005585.5(SMAD6):c.190G>T (p.Ala64Ser)

Gene: SMAD6 (SMAD family member 6; plus strand). Cytogenetic location: 15q22.31.
Variant type: single nucleotide variant.
Coding change: c.190G>T on transcript NM_005585.5 (MANE Select); coding-DNA position 190, G replaced by T.
Protein change: p.Ala64Ser; replaces alanine 64 with serine.
Molecular consequence: missense variant. On other transcripts: non-coding transcript variant (1).
Genome position (GRCh38, 1-based): chr15:66,703,448, G>T. VCF-style: chr15-66703448-G-T. GRCh37 (hg19) VCF-style: chr15-66995786-G-T.
Other names: short protein forms A64S.
Identifiers: ClinVar variation 3715493 (VCV003715493.2).